The following is an entry in ClinVar:

ClinVar aggregate classification (germline): Uncertain significance (1 of 4 stars; one submission).

Conditions:
Pyruvate carboxylase deficiency. Also called: Pyruvate Carboxylase Deficiency Disease; ATAXIA WITH LACTIC ACIDOSIS II; LEIGH NECROTIZING ENCEPHALOPATHY DUE TO PYRUVATE CARBOXYLASE DEFICIENCY; LEIGH SYNDROME DUE TO PYRUVATE CARBOXYLASE DEFICIENCY; PC DEFICIENCY. Identifiers: Orphanet 3008, MedGen C0034341, MONDO:0009949, OMIM 266150.

Allele frequency attached by ClinVar (database versions not stated): ExAC 0.00001; gnomAD exomes 0.00001; TOPMed 0.00001; gnomAD 0.00002.
gnomAD v4.1: 28 of 1,613,542 alleles (0.0017%); highest among the groups gnomAD compares: South Asian, 0.0033%; no homozygotes.

Submission:

Labcorp Genetics (formerly Invitae), Labcorp
Classification: Uncertain significance for Pyruvate carboxylase deficiency. Last evaluated: 2024-06-23. Review status: criteria provided, single submitter. Criteria: Invitae Variant Classification Sherloc (09022015). Collection method: clinical testing. Allele origin: germline.
Comment: This sequence change replaces glycine, which is neutral and non-polar, with serine, which is neutral and polar, at codon 1072 of the PC protein (p.Gly1072Ser). This variant is present in population databases (rs768048602, gnomAD 0.003%). This variant has not been reported in the literature in individuals affected with PC-related conditions. ClinVar contains an entry for this variant (Variation ID: 969321). Advanced modeling of protein sequence and biophysical properties (such as structural, functional, and spatial information, amino acid conservation, physicochemical variation, residue mobility, and thermodynamic stability) has been performed at Invitae for this missense variant, however the output from this modeling did not meet the statistical confidence thresholds required to predict the impact of this variant on PC protein function. In summary, the available evidence is currently insufficient to determine the role of this variant in disease. Therefore, it has been classified as a Variant of Uncertain Significance.

NM_001040716.2(PC):c.3214G>A (p.Gly1072Ser)

Gene: PC (pyruvate carboxylase; minus strand). Cytogenetic location: 11q13.2.
Variant type: single nucleotide variant.
Coding change: c.3214G>A on transcript NM_001040716.2 (MANE Select); coding-DNA position 3214, G replaced by A.
Protein change: p.Gly1072Ser; replaces glycine 1072 with serine.
Molecular consequence: missense variant.
Genome position (GRCh38, 1-based): chr11:66,849,304, C>T on the plus strand (G>A on the coding strand, the complement: PC is on the minus strand). VCF-style: chr11-66849304-C-T. GRCh37 (hg19) VCF-style: chr11-66616775-C-T.
Other names: c.3214G>A, p.Gly1072Ser (NM_000920.4, NM_022172.3); short protein forms G1072S.
Identifiers: ClinVar variation 969321 (VCV000969321.8), dbSNP rs768048602, ClinGen allele CA6130855.